The following is an entry in ClinVar:

ClinVar aggregate classification (germline): Uncertain significance (1 of 4 stars; one submission).

Submission:

CeGaT Center for Human Genetics Tuebingen
Classification: Uncertain significance. Last evaluated: 2026-05-01. Review status: criteria provided, single submitter. Criteria: CeGaT Center For Human Genetics Tuebingen Variant Classification Criteria Version 2. Collection method: clinical testing. Allele origin: germline. Affected: yes. Observed: 1 variant allele.
Comment: DYNC1H1: PM2, BP4

NM_001376.5(DYNC1H1):c.3229A>C (p.Asn1077His)

Gene: DYNC1H1 (dynein cytoplasmic 1 heavy chain 1; plus strand). Cytogenetic location: 14q32.31.
Variant type: single nucleotide variant.
Coding change: c.3229A>C on transcript NM_001376.5 (MANE Select); coding-DNA position 3229, A replaced by C.
Protein change: p.Asn1077His; replaces asparagine 1077 with histidine.
Molecular consequence: missense variant.
Genome position (GRCh38, 1-based): chr14:101,994,745, A>C. VCF-style: chr14-101994745-A-C. GRCh37 (hg19) VCF-style: chr14-102461082-A-C.
Other names: short protein forms N1077H.
Identifiers: ClinVar variation 4874802 (VCV004874802.2).